The following is an entry in ClinVar:

ClinVar aggregate classification (germline): Uncertain significance. Review status: criteria provided, multiple submitters, no conflicts (2 of 4 stars). 5 submissions from 5 submitters: Uncertain significance (5). Last evaluated 2026-06-08.

Conditions:
Catecholaminergic polymorphic ventricular tachycardia (CVPT). Also called: Catecholamine-induced polymorphic ventricular tachycardia. Identifiers: Orphanet 3286, MedGen C5574922, MONDO:0017990.
Catecholaminergic polymorphic ventricular tachycardia 1. Also called: VENTRICULAR TACHYCARDIA, CATECHOLAMINERGIC POLYMORPHIC, 1, WITH OR WITHOUT ATRIAL DYSFUNCTION AND/OR DILATED CARDIOMYOPATHY; VENTRICULAR TACHYCARDIA, STRESS-INDUCED POLYMORPHIC 1; RYR2-Related Catecholaminergic Polymorphic Ventricular Tachycardia. Identifiers: Orphanet 3286, MedGen C1631597, MONDO:0011484, OMIM 604772.
Cardiomyopathy (CMYO). Also called: Cardiomyopathies. Identifiers: Orphanet 167848, MedGen C0878544, MONDO:0004994, HP:0001638. Inheritance: Various modes of inheritance.
RYR2-related disorder. Also called: RYR2-related condition.

Allele frequency attached by ClinVar (database versions not stated): gnomAD 0.00001; TOPMed 0.00001; gnomAD exomes 0.00002.
gnomAD v4.1: 29 of 1,613,460 alleles (0.0018%); highest among the groups gnomAD compares: Non-Finnish European, 0.0022%; no homozygotes.

Submissions (5):

GeneDx
Classification: Uncertain significance. Last evaluated: 2026-06-08. Review status: criteria provided, single submitter. Criteria: GeneDx Variant Classification Process June 2021. Collection method: clinical testing. Allele origin: germline.
Comment: Reported in one individual diagnosed with either catecholaminergic polymorphic ventricular tachycardia (CPVT) or exercise-induced long QT syndrome (LQTS) (PMID: 19926015); Not observed at significant frequency in large population cohorts (gnomAD); In silico analysis supports that this missense variant has a deleterious effect on protein structure/function; This variant is associated with the following publications: (PMID: 24025405, 23871484, 32152366, 19926015, 29453246, 35947370)

Color Diagnostics, LLC DBA Color Health
Classification: Uncertain significance for Cardiomyopathy. Last evaluated: 2025-06-26. Review status: criteria provided, single submitter. Criteria: ACMG Guidelines, 2015. Collection method: clinical testing. Allele origin: germline.
Comment: This missense variant replaces phenylalanine with leucine at codon 329 of the RYR2 protein. Computational prediction suggests that this variant may have deleterious impact on protein structure and function. To our knowledge, functional studies have not been reported for this variant. This variant has been reported in two individuals affected with catecholaminergic polymorphic ventricular tachycardia (PMID: 19926015, 29453246) and in an individual suspected to be affected with cardiomyopathy or arrhythmia (PMID: 35947370). This variant has not been identified in the general population by the Genome Aggregation Database (gnomAD). The available evidence is insufficient to determine the role of this variant in disease conclusively. Therefore, this variant is classified as a Variant of Uncertain Significance.

Labcorp Genetics (formerly Invitae), Labcorp
Classification: Uncertain significance for Catecholaminergic polymorphic ventricular tachycardia 1. Last evaluated: 2024-12-16. Review status: criteria provided, single submitter. Criteria: Invitae Variant Classification Sherloc (09022015). Collection method: clinical testing. Allele origin: germline.
Comment: This sequence change replaces phenylalanine, which is neutral and non-polar, with leucine, which is neutral and non-polar, at codon 329 of the RYR2 protein (p.Phe329Leu). This variant is not present in population databases (gnomAD no frequency). This missense change has been observed in individual(s) with a suspicion of catecholaminergic polymorphic ventricular tachycardia (PMID: 19926015). ClinVar contains an entry for this variant (Variation ID: 463656). Invitae Evidence Modeling of protein sequence and biophysical properties (such as structural, functional, and spatial information, amino acid conservation, physicochemical variation, residue mobility, and thermodynamic stability) indicates that this missense variant is expected to disrupt RYR2 protein function with a positive predictive value of 95%. In summary, the available evidence is currently insufficient to determine the role of this variant in disease. Therefore, it has been classified as a Variant of Uncertain Significance.

All of Us Research Program, National Institutes of Health
Classification: Uncertain significance for Catecholaminergic polymorphic ventricular tachycardia. Last evaluated: 2023-10-30. Review status: criteria provided, single submitter. Criteria: ACMG Guidelines, 2015. Collection method: clinical testing. Allele origin: germline. Inheritance: Autosomal dominant inheritance. Observed: 2 variant alleles, 2 heterozygotes.
Comment: This study involves interpretation of variants in research participants for the purpose of population health screening. Participant phenotype was not available at the time of variant classification. Additional details can be found in publication PMID: 35346344, PMCID: PMC8962531

PreventionGenetics, part of Exact Sciences
Classification: Uncertain significance for RYR2-related condition. Last evaluated: 2023-10-09. Review status: criteria provided, single submitter. Criteria: ACMG Guidelines, 2015. Collection method: clinical testing. Allele origin: germline.
Comment: The RYR2 c.985T>C variant is predicted to result in the amino acid substitution p.Phe329Leu. This variant was reported in study of individuals with a strong catecholaminergic polymorphic ventricular tachycardia (CPVT) phenotype, a possible CPVT phenotype or gene negative long QT syndrome (LQTS), however additional patient details were not provided (Medeiros-Domingo et al. 2009. PubMed ID: 19926015; Supplemental Table 4, Kapplinger et al. 2018. PubMed ID: 29453246). Structural analysis of the RYR2 protein showed that this variant causes destabilization of the protein (Kimlicka et al. 2013. PubMed ID: 23871484). This variant has not been reported in a large population database, indicating this variant is rare. While this variant may be pathogenic, at this time, its the clinical significance is uncertain due to the absence of conclusive functional and genetic evidence.

Literature cited by the submitters: PubMed 19926015 (cited by Color Diagnostics, LLC DBA Color Health and Labcorp Genetics (formerly Invitae), Labcorp); PubMed 29453246 (cited by Color Diagnostics, LLC DBA Color Health); PubMed 35947370 (cited by Color Diagnostics, LLC DBA Color Health).

NM_001035.3(RYR2):c.985T>C (p.Phe329Leu)

Gene: RYR2 (ryanodine receptor 2; plus strand). Cytogenetic location: 1q43.
Variant type: single nucleotide variant.
Coding change: c.985T>C on transcript NM_001035.3 (MANE Select); coding-DNA position 985, T replaced by C.
Protein change: p.Phe329Leu; replaces phenylalanine 329 with leucine.
Molecular consequence: missense variant.
Genome position (GRCh38, 1-based): chr1:237,423,228, T>C. VCF-style: chr1-237423228-T-C. GRCh37 (hg19) VCF-style: chr1-237586528-T-C.
Other names: c.985T>C, p.Phe329Leu (LRG_402t1); short protein forms F329L.
Identifiers: ClinVar variation 463656 (VCV000463656.15), dbSNP rs911638241, ClinGen allele CA39791080.